The following is an entry in ClinVar:

NM_001018113.3(FANCB):c.361C>T (p.Arg121Cys)

Gene: FANCB (FA complementation group B; minus strand). Cytogenetic location: Xp22.2.
Variant type: single nucleotide variant.
Coding change: c.361C>T on transcript NM_001018113.3 (MANE Select); coding-DNA position 361, C replaced by T.
Protein change: p.Arg121Cys; replaces arginine 121 with cysteine.
Molecular consequence: missense variant.
Genome position (GRCh38, 1-based): chrX:14,865,150, G>A on the plus strand (C>T on the coding strand, the complement: FANCB is on the minus strand). VCF-style: chrX-14865150-G-A. GRCh37 (hg19) VCF-style: chrX-14883272-G-A.
Other names: c.361C>T, p.Arg121Cys (NM_001324162.2, NM_152633.4); short protein forms R121C.
Identifiers: ClinVar variation 1064230 (VCV001064230.8), dbSNP rs145928137, ClinGen allele CA10353214.

ClinVar aggregate classification (germline): Uncertain significance (1 of 4 stars; one submission).

Conditions:
Fanconi anemia (FA). Also called: Fanconi's anemia. Identifiers: Orphanet 84, MedGen C0015625, MeSH D005199, MONDO:0019391.

Allele frequency attached by ClinVar (database versions not stated): ExAC 0.00001; gnomAD exomes 0.00001; gnomAD 0.00002; TOPMed 0.00003; ESP Exome Variant Server 0.00009.
gnomAD v4.1: 13 of 1,193,405 alleles (0.0011%); highest among the groups gnomAD compares: African/African-American, 0.0035%; no homozygotes.

Submission:

Labcorp Genetics (formerly Invitae), Labcorp
Classification: Uncertain significance for Fanconi anemia. Last evaluated: 2025-10-06. Review status: criteria provided, single submitter. Criteria: Invitae Variant Classification Sherloc (09022015). Collection method: clinical testing. Allele origin: germline.
Comment: This sequence change replaces arginine, which is basic and polar, with cysteine, which is neutral and slightly polar, at codon 121 of the FANCB protein (p.Arg121Cys). The frequency data for this variant in the population databases is considered unreliable, as metrics indicate poor data quality at this position in the gnomAD database. This variant has not been reported in the literature in individuals affected with FANCB-related conditions. ClinVar contains an entry for this variant (Variation ID: 1064230). Invitae Evidence Modeling of protein sequence and biophysical properties (such as structural, functional, and spatial information, amino acid conservation, physicochemical variation, residue mobility, and thermodynamic stability) indicates that this missense variant is not expected to disrupt FANCB protein function with a negative predictive value of 80%. In summary, the available evidence is currently insufficient to determine the role of this variant in disease. Therefore, it has been classified as a Variant of Uncertain Significance.